The following is an entry in ClinVar:

NM_015057.5(MYCBP2):c.2552T>A (p.Ile851Asn)

Gene: MYCBP2 (MYC binding protein 2; minus strand). Cytogenetic location: 13q22.3.
Variant type: single nucleotide variant.
Coding change: c.2552T>A on transcript NM_015057.5 (MANE Select); coding-DNA position 2552, T replaced by A.
Protein change: p.Ile851Asn; replaces isoleucine 851 with asparagine.
Molecular consequence: missense variant.
Genome position (GRCh38, 1-based): chr13:77,243,136, A>T on the plus strand (T>A on the coding strand, the complement: MYCBP2 is on the minus strand). VCF-style: chr13-77243136-A-T. GRCh37 (hg19) VCF-style: chr13-77817271-A-T.
Other names: short protein forms I851N.
Identifiers: ClinVar variation 4527220 (VCV004527220.1).

ClinVar aggregate classification (germline): Uncertain significance (1 of 4 stars; one submission).

Submission:

GeneDx
Classification: Uncertain significance. Last evaluated: 2025-04-21. Review status: criteria provided, single submitter. Criteria: GeneDx Variant Classification Process June 2021. Collection method: clinical testing. Allele origin: germline. Affected: yes.
Comment: Not observed at significant frequency in large population cohorts (gnomAD); In silico analysis indicates that this missense variant does not alter protein structure/function; Has not been previously published as pathogenic or benign to our knowledge